The following is an entry in ClinVar:

ClinVar aggregate classification (germline): Likely benign. Review status: criteria provided, multiple submitters, no conflicts (2 of 4 stars). 2 submissions from 2 submitters: Likely benign (2). Last evaluated 2024-05-07.

Conditions:
Dilated cardiomyopathy 2B. Identifiers: Orphanet 154, MedGen C3553409, MONDO:0013848, OMIM 614672.

Submissions (2):

Labcorp Genetics (formerly Invitae), Labcorp
Classification: Likely benign for Dilated cardiomyopathy 2B. Last evaluated: 2024-05-07. Review status: criteria provided, single submitter. Criteria: Invitae Variant Classification Sherloc (09022015). Collection method: clinical testing. Allele origin: germline.

GeneDx
Classification: Likely benign. Last evaluated: 2017-08-01. Review status: criteria provided, single submitter. Criteria: GeneDx Variant Classification (06012015). Collection method: clinical testing. Allele origin: germline. Affected: yes.
Comment: This variant is considered likely benign or benign based on one or more of the following criteria: it is a conservative change, it occurs at a poorly conserved position in the protein, it is predicted to be benign by multiple in silico algorithms, and/or has population frequency not consistent with disease.

NM_021167.5(GATAD1):c.585C>G (p.Pro195=)

Gene: GATAD1 (GATA zinc finger domain containing 1; plus strand). Cytogenetic location: 7q21.2.
Variant type: single nucleotide variant.
Coding change: c.585C>G on transcript NM_021167.5 (MANE Select); coding-DNA position 585, C replaced by G.
Protein change: p.Pro195=; no amino-acid change (proline 195 retained).
Molecular consequence: synonymous variant. On other transcripts: non-coding transcript variant (1).
Genome position (GRCh38, 1-based): chr7:92,454,651, C>G. VCF-style: chr7-92454651-C-G. GRCh37 (hg19) VCF-style: chr7-92083965-C-G.
Identifiers: ClinVar variation 511020 (VCV000511020.10), dbSNP rs1554358970, ClinGen allele CA456481643.